The following is an entry in ClinVar:

ClinVar aggregate classification (germline): Pathogenic (1 of 4 stars; one submission).

Submission:

Labcorp Genetics (formerly Invitae), Labcorp
Classification: Pathogenic. Last evaluated: 2025-12-09. Review status: criteria provided, single submitter. Criteria: Invitae Variant Classification Sherloc (09022015). Collection method: clinical testing. Allele origin: germline.
Comment: This sequence change creates a premature translational stop signal (p.Glu501Aspfs*13) in the CDK13 gene. It is expected to result in an absent or disrupted protein product. Loss-of-function variants in CDK13 are known to be pathogenic (PMID: 27479907, 29021403, 29393965). This variant is not present in population databases (gnomAD no frequency). This variant has not been reported in the literature in individuals affected with CDK13-related conditions. For these reasons, this variant has been classified as Pathogenic.

Literature cited by the submitters: PubMed 27479907; PubMed 29021403; PubMed 29393965.

NM_003718.5(CDK13):c.1502_1503insTA (p.Glu501fs)

Gene: CDK13 (cyclin dependent kinase 13; plus strand). Cytogenetic location: 7p14.1.
Variant type: Insertion.
Coding change: c.1502_1503insTA on transcript NM_003718.5 (MANE Select); coding-DNA positions 1502 to 1503, TA inserted.
Protein change: p.Glu501fs; shifts the reading frame from glutamic acid 501.
Molecular consequence: frameshift variant.
Genome position: GRCh38 VCF-style: chr7-39987888-G-GAT. GRCh37 (hg19) VCF-style: chr7-40027487-G-GAT.
Other names: c.1502_1503insTA, p.Glu501Aspfs (NM_031267.4); short protein forms E501fs.
Identifiers: ClinVar variation 4732469 (VCV004732469.1).
Genomic context (GRCh38, chr7:39,987,888, plus strand): 5'-GAGGCTGCTGCCAAGGCTGCAAAAGCTTCAAACACTTCTACACCTACCAAGGGGAACACG[G>GAT]AAACTAGTGCCAGTGCATCACAAACAAACCATGTGAAGGATGTGAAGAAAATTAAAATTG-3'